The following is an entry in ClinVar:

NM_001365479.2(USP40):c.116A>G (p.Asn39Ser)

Gene: USP40 (ubiquitin specific peptidase 40; minus strand). Cytogenetic location: 2q37.1.
Variant type: single nucleotide variant.
Coding change: c.116A>G on transcript NM_001365479.2 (MANE Select); coding-DNA position 116, A replaced by G.
Protein change: p.Asn39Ser; replaces asparagine 39 with serine.
Molecular consequence: missense variant. On other transcripts: non-coding transcript variant (6).
Genome position (GRCh38, 1-based): chr2:233,565,439, T>C on the plus strand (A>G on the coding strand, the complement: USP40 is on the minus strand). VCF-style: chr2-233565439-T-C. GRCh37 (hg19) VCF-style: chr2-234474085-T-C.
Other names: c.116A>G, p.Asn39Ser (NM_001382295.1, NM_001382296.1, NM_001382297.1 and 6 more transcripts); short protein forms N39S.
Identifiers: ClinVar variation 4197608 (VCV004197608.1).
Genomic context (GRCh38, chr2:233,565,439, plus strand): 5'-AGAGTCTGAAGAAGGGAATTGAGGTAACAGGTTCCACCCTGATTTCTGATTCCGCTTAAA[T>C]TGGTGAATTCTCTAGGAGCAGGTGGCTCCAAAGCTTTAGTCTTTAATTTCTTCCCTTTTC-3'
Protein context (NP_001352408.1, residues 29-49): LEPPAPREFT[Asn39Ser]LSGIRNQGGT

ClinVar aggregate classification (germline): Uncertain significance (1 of 4 stars; one submission).

gnomAD v4.1: 24 of 1,537,178 alleles (0.0016%); highest among the groups gnomAD compares: Non-Finnish European, 0.0021%; no homozygotes.

Submission:

Ambry Genetics
Classification: Uncertain significance. Last evaluated: 2025-09-10. Review status: criteria provided, single submitter. Criteria: Ambry Variant Classification Scheme 2023. Collection method: clinical testing. Allele origin: germline.
Comment: The c.152A>G (p.N51S) alteration is located in exon (coding exon ) of the USP40 gene. This alteration results from a A to G substitution at nucleotide position 152, causing the asparagine (N) at amino acid position 51 to be replaced by a serine (S). Based on insufficient or conflicting evidence, the clinical significance of this alteration remains unclear.